The following is an entry in ClinVar:

NM_000448.3(RAG1):c.561T>A (p.Phe187Leu)

Gene: RAG1 (recombination activating 1; plus strand). Cytogenetic location: 11p12.
Variant type: single nucleotide variant.
Coding change: c.561T>A on transcript NM_000448.3 (MANE Select); coding-DNA position 561, T replaced by A.
Protein change: p.Phe187Leu; replaces phenylalanine 187 with leucine.
Molecular consequence: missense variant.
Genome position (GRCh38, 1-based): chr11:36,573,865, T>A. VCF-style: chr11-36573865-T-A. GRCh37 (hg19) VCF-style: chr11-36595415-T-A.
Other names: c.561T>A, p.Phe187Leu (NM_001377277.1, NM_001377278.1, NM_001377279.1 and 1 more transcripts); short protein forms F187L.
Identifiers: ClinVar variation 2922887 (VCV002922887.2), dbSNP rs1047933204, ClinGen allele CA220600289.

ClinVar aggregate classification (germline): Uncertain significance (1 of 4 stars; one submission).

Conditions:
Severe combined immunodeficiency, autosomal recessive, T cell-negative, B cell-negative, NK cell-positive. Also called: SCID, AR, T-cell negative, B-cell negative, NK cell-positive; SCID, T CELL-NEGATIVE, B CELL-NEGATIVE, NK CELL-POSITIVE; Severe combined immunodeficiency due to complete RAG1/2 deficiency. Identifiers: Orphanet 331206, MedGen C1832322, MONDO:0011086, OMIM 601457.
Combined immunodeficiency with skin granulomas. Identifiers: Orphanet 157949, MedGen C2673536, MONDO:0009306, OMIM 233650.

Submission:

Labcorp Genetics (formerly Invitae), Labcorp
Classification: Uncertain significance for Combined immunodeficiency with skin granulomas; Severe combined immunodeficiency, autosomal recessive, T cell-negative, B cell-negative, NK cell-positive. Last evaluated: 2025-11-03. Review status: criteria provided, single submitter. Criteria: Invitae Variant Classification Sherloc (09022015). Collection method: clinical testing. Allele origin: germline.
Comment: This sequence change replaces phenylalanine, which is neutral and non-polar, with leucine, which is neutral and non-polar, at codon 187 of the RAG1 protein (p.Phe187Leu). This variant is not present in population databases (gnomAD no frequency). This variant has not been reported in the literature in individuals affected with RAG1-related conditions. ClinVar contains an entry for this variant (Variation ID: 2922887). Invitae Evidence Modeling of protein sequence and biophysical properties (such as structural, functional, and spatial information, amino acid conservation, physicochemical variation, residue mobility, and thermodynamic stability) indicates that this missense variant is not expected to disrupt RAG1 protein function with a negative predictive value of 80%. In summary, the available evidence is currently insufficient to determine the role of this variant in disease. Therefore, it has been classified as a Variant of Uncertain Significance.